The following is an entry in ClinVar:

NM_006306.4(SMC1A):c.3438-1G>C

Gene: SMC1A (structural maintenance of chromosomes 1A; minus strand). Cytogenetic location: Xp11.22.
Variant type: single nucleotide variant.
Coding change: c.3438-1G>C on transcript NM_006306.4 (MANE Select); the canonical splice acceptor site of the intron before coding-DNA position 3438, G replaced by C.
Molecular consequence: splice acceptor variant.
Genome position (GRCh38, 1-based): chrX:53,381,088, C>G on the plus strand (G>C on the coding strand, the complement: SMC1A is on the minus strand). VCF-style: chrX-53381088-C-G. GRCh37 (hg19) VCF-style: chrX-53408009-C-G.
Other names: c.3372-1G>C (NM_001281463.1).
Identifiers: ClinVar variation 4532334 (VCV004532334.1).

ClinVar aggregate classification (germline): Likely pathogenic (1 of 4 stars; one submission).

Submission:

GeneDx
Classification: Likely pathogenic. Last evaluated: 2025-05-27. Review status: criteria provided, single submitter. Criteria: GeneDx Variant Classification Process June 2021. Collection method: clinical testing. Allele origin: germline. Affected: yes.
Comment: Not observed at significant frequency in large population cohorts (gnomAD); Canonical splice site variant in a gene or region of a gene for which loss of function is not a well-established mechanism of disease; Has not been previously published as pathogenic or benign to our knowledge